The following is an entry in ClinVar:

NM_022765.4(MICAL1):c.1481A>G (p.Asn494Ser)

Gene: MICAL1 (microtubule associated monooxygenase, calponin and LIM domain containing 1; minus strand). Cytogenetic location: 6q21.
Variant type: single nucleotide variant.
Coding change: c.1481A>G on transcript NM_022765.4 (MANE Select); coding-DNA position 1481, A replaced by G.
Protein change: p.Asn494Ser; replaces asparagine 494 with serine.
Molecular consequence: missense variant.
Genome position (GRCh38, 1-based): chr6:109,449,435, T>C on the plus strand (A>G on the coding strand, the complement: MICAL1 is on the minus strand). VCF-style: chr6-109449435-T-C. GRCh37 (hg19) VCF-style: chr6-109770638-T-C.
Other names: c.1223A>G, p.Asn408Ser (NM_001159291.2); c.1538A>G, p.Asn513Ser (NM_001286613.2); c.1481A>G (NM_022765.3); short protein forms N513S, N408S, N494S.
Identifiers: ClinVar variation 1347902 (VCV001347902.7), dbSNP rs146727348, ClinGen allele CA3953381.

ClinVar aggregate classification (germline): Uncertain significance. Review status: criteria provided, multiple submitters, no conflicts (2 of 4 stars). 2 submissions from 2 submitters: Uncertain significance (2). Last evaluated 2025-11-29.

Allele frequency attached by ClinVar (database versions not stated): gnomAD exomes 0.00001 and 0.00005; ExAC 0.00005; TOPMed 0.00014; gnomAD 0.00015 and 0.00016; ESP Exome Variant Server 0.00038.
gnomAD v4.1: 39 of 1,614,082 alleles (0.0024%); highest among the groups gnomAD compares: African/African-American, 0.049%; no homozygotes.

Submissions (2):

Labcorp Genetics (formerly Invitae), Labcorp
Classification: Uncertain significance. Last evaluated: 2025-11-29. Review status: criteria provided, single submitter. Criteria: Invitae Variant Classification Sherloc (09022015). Collection method: clinical testing. Allele origin: germline.
Comment: This sequence change replaces asparagine, which is neutral and polar, with serine, which is neutral and polar, at codon 513 of the MICAL1 protein (p.Asn513Ser). This variant is present in population databases (rs146727348, gnomAD 0.07%), and has an allele count higher than expected for a pathogenic variant. This variant has not been reported in the literature in individuals affected with MICAL1-related conditions. ClinVar contains an entry for this variant (Variation ID: 1347902). An algorithm developed to predict the effect of missense changes on protein structure and function (PolyPhen-2) suggests that this variant is likely to be tolerated. In summary, the available evidence is currently insufficient to determine the role of this variant in disease. Therefore, it has been classified as a Variant of Uncertain Significance.

Ambry Genetics
Classification: Uncertain significance. Last evaluated: 2025-01-03. Review status: criteria provided, single submitter. Criteria: Ambry Variant Classification Scheme 2023. Collection method: clinical testing. Allele origin: germline.